The following is an entry in ClinVar:

ClinVar aggregate classification (germline): Uncertain significance (1 of 4 stars; one submission).

Conditions:
Episodic pain syndrome, familial, 2 (FEPS2). Identifiers: Orphanet 306577, MedGen C3809893, MONDO:0014246, OMIM 615551.

gnomAD v4.1: 1 of 1,614,142 alleles (0.000062%); highest among the groups gnomAD compares: Non-Finnish European, 0.000085%; no homozygotes.

Submission:

Rare Kidney Stone Consortium and the Mayo Clinic Hyperoxaluria Center, Mayo Clinic
Classification: Uncertain significance for Episodic pain syndrome, familial, 2. Last evaluated: 2025-10-03. Review status: criteria provided, single submitter. Criteria: ACMG Guidelines, 2015. Collection method: research. Allele origin: germline. Observed: 1 variant allele.
Comment: ACMG:PM2

Literature cited by the submitters: PubMed 40794449.

NM_006514.4(SCN10A):c.516A>G (p.Ile172Met)

Gene: SCN10A (sodium voltage-gated channel alpha subunit 10; minus strand). Cytogenetic location: 3p22.2.
Variant type: single nucleotide variant.
Coding change: c.516A>G on transcript NM_006514.4 (MANE Select); coding-DNA position 516, A replaced by G.
Protein change: p.Ile172Met; replaces isoleucine 172 with methionine.
Molecular consequence: missense variant.
Genome position (GRCh38, 1-based): chr3:38,771,362, T>C on the plus strand (A>G on the coding strand, the complement: SCN10A is on the minus strand). VCF-style: chr3-38771362-T-C. GRCh37 (hg19) VCF-style: chr3-38812853-T-C.
Other names: c.516A>G, p.Ile172Met (NM_001293306.2, NM_001293307.2); short protein forms I172M.
Identifiers: ClinVar variation 4526806 (VCV004526806.1).